The following is an entry in ClinVar:

NM_177965.4(CFAP418):c.469A>G (p.Arg157Gly)

Gene: CFAP418 (cilia and flagella associated protein 418; minus strand). Cytogenetic location: 8q22.1.
Variant type: single nucleotide variant.
Coding change: c.469A>G on transcript NM_177965.4 (MANE Select); coding-DNA position 469, A replaced by G.
Protein change: p.Arg157Gly; replaces arginine 157 with glycine.
Molecular consequence: missense variant. On other transcripts: intron variant (1).
Genome position (GRCh38, 1-based): chr8:95,252,189, T>C on the plus strand (A>G on the coding strand, the complement: CFAP418 is on the minus strand). VCF-style: chr8-95252189-T-C. GRCh37 (hg19) VCF-style: chr8-96264417-T-C.
Other names: c.375-4419A>G (NM_001363260.1); short protein forms R157G.
Identifiers: ClinVar variation 1947122 (VCV001947122.5), dbSNP rs2537139847, ClinGen allele CA371838426.

ClinVar aggregate classification (germline): Uncertain significance (1 of 4 stars; one submission).

Submission:

Labcorp Genetics (formerly Invitae), Labcorp
Classification: Uncertain significance. Last evaluated: 2023-11-20. Review status: criteria provided, single submitter. Criteria: Invitae Variant Classification Sherloc (09022015). Collection method: clinical testing. Allele origin: germline.
Comment: This sequence change replaces arginine, which is basic and polar, with glycine, which is neutral and non-polar, at codon 157 of the C8orf37 protein (p.Arg157Gly). This variant is not present in population databases (gnomAD no frequency). This variant has not been reported in the literature in individuals affected with C8orf37-related conditions. ClinVar contains an entry for this variant (Variation ID: 1947122). An algorithm developed to predict the effect of missense changes on protein structure and function (PolyPhen-2) suggests that this variant is likely to be disruptive. In summary, the available evidence is currently insufficient to determine the role of this variant in disease. Therefore, it has been classified as a Variant of Uncertain Significance.